The following is an entry in ClinVar:

NM_000810.4(GABRA5):c.887C>T (p.Thr296Met)

Gene: GABRA5 (gamma-aminobutyric acid type A receptor subunit alpha5; plus strand). Cytogenetic location: 15q12.
Variant type: single nucleotide variant.
Coding change: c.887C>T on transcript NM_000810.4 (MANE Select); coding-DNA position 887, C replaced by T.
Protein change: p.Thr296Met; replaces threonine 296 with methionine.
Molecular consequence: missense variant.
Genome position (GRCh38, 1-based): chr15:26,943,224, C>T. VCF-style: chr15-26943224-C-T. GRCh37 (hg19) VCF-style: chr15-27188371-C-T.
Other names: c.887C>T, p.Thr296Met (NM_001165037.2); short protein forms T296M.
Identifiers: ClinVar variation 3367417 (VCV003367417.2).
Genomic context (GRCh38, chr15:26,943,224, plus strand): 5'-AGCACTGACCCCTGTTTCCGTTTTTCACTCTGCCCTGCCTGACCCCCGCAGGGGTCACCA[C>T]GGTGCTGACCATGACGACCCTCAGCATCAGCGCCAGGAACTCTCTGCCCAAAGTGGCCTA-3'
Protein context (NP_000801.1, residues 286-306): VPARTVFGVT[Thr296Met]VLTMTTLSIS

ClinVar aggregate classification (germline): Uncertain significance (1 of 4 stars; one submission).

gnomAD v4.1: 2 of 1,553,758 alleles (0.00013%); highest among the groups gnomAD compares: Admixed American, 0.002%; no homozygotes.

Submission:

GeneDx
Classification: Uncertain significance. Last evaluated: 2026-01-30. Review status: criteria provided, single submitter. Criteria: GeneDx Variant Classification Process June 2021. Collection method: clinical testing. Allele origin: germline.
Comment: Not observed at significant frequency in large population cohorts (gnomAD); In silico analysis supports that this missense variant has a deleterious effect on protein structure/function; Has not been previously published as pathogenic or benign to our knowledge